The following is an entry in ClinVar:

NM_006129.5(BMP1):c.1766-5C>T

Gene: BMP1 (bone morphogenetic protein 1; plus strand). Cytogenetic location: 8p21.3.
Variant type: single nucleotide variant.
Coding change: c.1766-5C>T on transcript NM_006129.5 (MANE Select); 5 bases into the intron before coding-DNA position 1766, C replaced by T.
Molecular consequence: intron variant.
Genome position (GRCh38, 1-based): chr8:22,196,675, C>T. VCF-style: chr8-22196675-C-T. GRCh37 (hg19) VCF-style: chr8-22054188-C-T.
Other names: p.?; c.1766-5C>T (NM_001199.4).
Identifiers: ClinVar variation 362588 (VCV000362588.21), dbSNP rs76809016, ClinGen allele CA4664845.

ClinVar aggregate classification (germline): Benign. Review status: criteria provided, multiple submitters, no conflicts (2 of 4 stars). 8 submissions from 8 submitters: Benign (6). 2 of the submissions do not count toward it. Last evaluated 2026-02-02.

Conditions:
Osteogenesis imperfecta type 13. Also called: OI, TYPE XIII; Osteogenesis imperfecta, type xiii. Identifiers: Orphanet 666, MedGen C3553887, MONDO:0013924, OMIM 614856.
Osteogenesis imperfecta (OI). Identifiers: Orphanet 666, MedGen C0029434, MeSH D010013, MONDO:0019019.

Allele frequency attached by ClinVar (database versions not stated): gnomAD exomes 0.00263 and 0.00735; ExAC 0.00872; gnomAD 0.02760 and 0.02982; ESP Exome Variant Server 0.02976; TOPMed 0.03155; 1000 Genomes Project 0.03275; 1000 Genomes Project 30x 0.03404.
gnomAD v4.1: 8,204 of 1,613,950 alleles (0.51%); highest among the groups gnomAD compares: African/African-American, 9.8%; 410 homozygotes.

Submissions (8):

Labcorp Genetics (formerly Invitae), Labcorp
Classification: Benign. Last evaluated: 2026-02-02. Review status: criteria provided, single submitter. Criteria: Invitae Variant Classification Sherloc (09022015). Collection method: clinical testing. Allele origin: germline.

Mayo Clinic Laboratories, Mayo Clinic
Classification: Benign. Last evaluated: 2023-03-19. Review status: criteria provided, single submitter. Criteria: ACMG Guidelines, 2015. Collection method: clinical testing. Allele origin: germline. Observed: 8 variant alleles.

Genome Diagnostics Laboratory, The Hospital for Sick Children
Classification: Benign for Osteogenesis imperfecta. Last evaluated: 2022-04-04. Review status: criteria provided, single submitter. Criteria: ACMG Guidelines, 2015. Collection method: clinical testing. Allele origin: germline.

Illumina Laboratory Services, Illumina
Classification: Benign for Osteogenesis imperfecta type 13. Last evaluated: 2018-01-12. Review status: criteria provided, single submitter. Criteria: ICSL Variant Classification Criteria 13 December 2019. Collection method: clinical testing. Allele origin: germline.
Comment: This variant was observed in the ICSL laboratory as part of a predisposition screen in an ostensibly healthy population. It had not been previously curated by ICSL or reported in the Human Gene Mutation Database (HGMD: prior to June 1st, 2018), and was therefore a candidate for classification through an automated scoring system. Utilizing variant allele frequency, disease prevalence and penetrance estimates, and inheritance mode, an automated score was calculated to assess if this variant is too frequent to cause the disease. Based on the score and internal cut-off values, a variant classified as benign is not then subjected to further curation. The score for this variant resulted in a classification of benign for this disease.

GeneDx
Classification: Benign. Last evaluated: 2017-08-24. Review status: criteria provided, single submitter. Criteria: GeneDx Variant Classification (06012015). Collection method: clinical testing. Allele origin: germline. Affected: yes.
Comment: This variant is considered likely benign or benign based on one or more of the following criteria: it is a conservative change, it occurs at a poorly conserved position in the protein, it is predicted to be benign by multiple in silico algorithms, and/or has population frequency not consistent with disease.

Breakthrough Genomics
Classification: Benign. Review status: criteria provided, single submitter. Criteria: ACMG Guidelines, 2015. Collection method: not provided. Allele origin: germline. Inheritance: Autosomal recessive inheritance. Affected: yes.

Genome Diagnostics Laboratory, Amsterdam University Medical Center
Classification: Benign. Review status: no assertion criteria provided. Collection method: clinical testing. Allele origin: germline. Affected: yes. Study: VKGL Data-share Consensus. Not counted in ClinVar's aggregate classification.

Laboratory of Diagnostic Genome Analysis, Leiden University Medical Center (LUMC)
Classification: Likely benign. Review status: no assertion criteria provided. Collection method: clinical testing. Allele origin: germline. Affected: yes. Study: VKGL Data-share Consensus. Not counted in ClinVar's aggregate classification.